The following is an entry in ClinVar:

ClinVar aggregate classification (germline): Uncertain significance. Review status: criteria provided, multiple submitters, no conflicts (2 of 4 stars). 2 submissions from 2 submitters: Uncertain significance (2). Last evaluated 2025-10-28.

Conditions:
Intellectual disability. Also called: Intellectual functioning disability; intellectual disabilities; Intellectual developmental disorder. Identifiers: MedGen C3714756, MeSH D008607, MONDO:0001071, HP:0001249.

gnomAD v4.1: 41 of 1,613,588 alleles (0.0025%); highest among the groups gnomAD compares: African/African-American, 0.0067%; no homozygotes.

Submissions (2):

Labcorp Genetics (formerly Invitae), Labcorp
Classification: Uncertain significance. Last evaluated: 2025-10-28. Review status: criteria provided, single submitter. Criteria: Invitae Variant Classification Sherloc (09022015). Collection method: clinical testing. Allele origin: germline.
Comment: This sequence change replaces leucine, which is neutral and non-polar, with glutamine, which is neutral and polar, at codon 18 of the CLTC protein (p.Leu18Gln). This variant is present in population databases (rs373161605, gnomAD 0.008%). This variant has not been reported in the literature in individuals affected with CLTC-related conditions. ClinVar contains an entry for this variant (Variation ID: 4074926). Invitae Evidence Modeling of protein sequence and biophysical properties (such as structural, functional, and spatial information, amino acid conservation, physicochemical variation, residue mobility, and thermodynamic stability) indicates that this missense variant is not expected to disrupt CLTC protein function with a negative predictive value of 80%. In summary, the available evidence is currently insufficient to determine the role of this variant in disease. Therefore, it has been classified as a Variant of Uncertain Significance.

Cambridge Genomics Laboratory, East Genomic Laboratory Hub, NHS Genomic Medicine Service
Classification: Uncertain significance for Intellectual disability. Last evaluated: 2020-05-07. Review status: criteria provided, single submitter. Criteria: ACGS Best Practice Guidelines for Variant Classification in Rare Disease 2020. Collection method: clinical testing. Allele origin: germline. Affected: yes. Observed: 1 variant allele.

NM_004859.4(CLTC):c.53T>A (p.Leu18Gln)

Gene: CLTC (clathrin heavy chain; plus strand). Cytogenetic location: 17q23.1.
Variant type: single nucleotide variant.
Coding change: c.53T>A on transcript NM_004859.4 (MANE Select); coding-DNA position 53, T replaced by A.
Protein change: p.Leu18Gln; replaces leucine 18 with glutamine.
Molecular consequence: missense variant.
Genome position (GRCh38, 1-based): chr17:59,644,286, T>A. VCF-style: chr17-59644286-T-A. GRCh37 (hg19) VCF-style: chr17-57721647-T-A.
Other names: c.53T>A, p.Leu18Gln (NM_001288653.2); short protein forms L18Q.
Identifiers: ClinVar variation 4074926 (VCV004074926.2).